The following is an entry in ClinVar:

NM_000138.5(FBN1):c.5918-8C>A

Gene: FBN1 (fibrillin 1; minus strand). Cytogenetic location: 15q21.1.
Variant type: single nucleotide variant.
Coding change: c.5918-8C>A on transcript NM_000138.5 (MANE Select); 8 bases into the intron before coding-DNA position 5918, C replaced by A.
Molecular consequence: intron variant.
Genome position (GRCh38, 1-based): chr15:48,444,668, G>T on the plus strand (C>A on the coding strand, the complement: FBN1 is on the minus strand). VCF-style: chr15-48444668-G-T. GRCh37 (hg19) VCF-style: chr15-48736865-G-T.
Other names: c.5918-8C>A (NM_001406716.1).
Identifiers: ClinVar variation 3894372 (VCV003894372.1).
Genomic context (GRCh38, chr15:48,444,668, plus strand): 5'-TTGACAGGTACCTGGTGCACATTTTCTGGGTTCTAGAAGACATTCATTGATATCTGCAAA[G>T]AAAAGGGAAAAATAAGGAAGAGGTTCCCACTGGCATGACTTCCATCAAACAATTAAAATT-3'

ClinVar aggregate classification (germline): Uncertain significance (1 of 4 stars; one submission).

Conditions:
Familial thoracic aortic aneurysm and aortic dissection (TAAD). Also called: Thoracic aortic aneurysms and dissections. Identifiers: Orphanet 91387, MedGen C4707243, MONDO:0019625.

Submission:

Color Diagnostics, LLC DBA Color Health
Classification: Uncertain significance for Familial thoracic aortic aneurysm and aortic dissection. Last evaluated: 2023-10-23. Review status: criteria provided, single submitter. Criteria: ACMG Guidelines, 2015. Collection method: clinical testing. Allele origin: germline.
Comment: This variant causes a C to A nucleotide substitution at the -8 position of intron 48 of the FBN1 gene. To our knowledge, functional studies have not been reported for this variant. This variant has not been reported in individuals affected with FBN1-related disorders in the literature. This variant has not been identified in the general population by the Genome Aggregation Database (gnomAD). The available evidence is insufficient to determine the role of this variant in disease conclusively. Therefore, this variant is classified as a Variant of Uncertain Significance.